The following is an entry in ClinVar:

NM_024675.4(PALB2):c.1647C>T (p.His549=)

Gene: PALB2 (partner and localizer of BRCA2; minus strand). Cytogenetic location: 16p12.2.
Variant type: single nucleotide variant.
Coding change: c.1647C>T on transcript NM_024675.4 (MANE Select); coding-DNA position 1647, C replaced by T.
Protein change: p.His549=; no amino-acid change (histidine 549 retained).
Molecular consequence: synonymous variant.
Genome position (GRCh38, 1-based): chr16:23,634,899, G>A on the plus strand (C>T on the coding strand, the complement: PALB2 is on the minus strand). VCF-style: chr16-23634899-G-A. GRCh37 (hg19) VCF-style: chr16-23646220-G-A.
Identifiers: ClinVar variation 830143 (VCV000830143.5), dbSNP rs747842085, ClinGen allele CA494461317.

ClinVar aggregate classification (germline): Benign/Likely benign. Review status: criteria provided, multiple submitters, no conflicts (2 of 4 stars). 4 submissions from 4 submitters: Benign (1); Likely benign (2). 1 of the submissions does not count toward it. Last evaluated 2025-01-14.

Conditions:
Familial cancer of breast. Also called: BREAST CANCER, FAMILIAL; Hereditary breast cancer; hereditary breast carcinoma. Identifiers: Orphanet 227535, MedGen C0346153, MONDO:0016419, OMIM 114480. Disease mechanism: loss of function.
Hereditary cancer-predisposing syndrome. Also called: Hereditary neoplastic syndrome; Neoplastic Syndromes, Hereditary; Tumor predisposition; Hereditary Cancer Syndrome. Identifiers: Orphanet 140162, MedGen C0027672, MeSH D009386, MONDO:0015356.

Submissions (4):

Myriad Genetics, Inc.
Classification: Benign for Familial cancer of breast. Last evaluated: 2025-01-14. Review status: criteria provided, single submitter. Criteria: Myriad Autosomal Dominant, Autosomal Recessive and X-Linked Classification Criteria (2023). Collection method: clinical testing. Allele origin: unknown.
Comment: This variant is considered benign. This variant is a silent/synonymous amino acid change and it is not expected to impact splicing.

Ambry Genetics
Classification: Likely benign for Hereditary cancer-predisposing syndrome. Last evaluated: 2024-10-19. Review status: criteria provided, single submitter. Criteria: Ambry Variant Classification Scheme 2023. Collection method: clinical testing. Allele origin: germline.

Labcorp Genetics (formerly Invitae), Labcorp
Classification: Likely benign for Familial cancer of breast. Last evaluated: 2024-05-16. Review status: criteria provided, single submitter. Criteria: Invitae Variant Classification Sherloc (09022015). Collection method: clinical testing. Allele origin: germline.

Leiden Open Variation Database
Classification: Uncertain significance. Last evaluated: 2018-10-10. Review status: no assertion criteria provided. Collection method: curation. Allele origin: germline. Affected: yes. Not counted in ClinVar's aggregate classification.
Comment: Curators: Marc Tischkowitz, Arleen D. Auerbach. Submitter to LOVD: Yukihide Momozawa.

Literature cited by the submitters: PubMed 30287823 (cited by Leiden Open Variation Database).